The following is an entry in ClinVar:

ClinVar aggregate classification (germline): Uncertain significance (1 of 4 stars; one submission).

Allele frequency attached by ClinVar (database versions not stated): gnomAD 0.00001; TOPMed 0.00001; ExAC 0.00005.
gnomAD v4.1: 37 of 1,612,758 alleles (0.0023%); highest among the groups gnomAD compares: Non-Finnish European, 0.0031%; no homozygotes.

Submission:

Labcorp Genetics (formerly Invitae), Labcorp
Classification: Uncertain significance. Last evaluated: 2024-10-11. Review status: criteria provided, single submitter. Criteria: Invitae Variant Classification Sherloc (09022015). Collection method: clinical testing. Allele origin: germline.
Comment: This sequence change affects codon 700 of the LEMD3 mRNA. It is a 'silent' change, meaning that it does not change the encoded amino acid sequence of the LEMD3 protein. This variant is present in population databases (rs199712960, gnomAD 0.004%). This variant has not been reported in the literature in individuals affected with LEMD3-related conditions. ClinVar contains an entry for this variant (Variation ID: 2190108). Algorithms developed to predict the effect of sequence changes on RNA splicing suggest that this variant may disrupt the consensus splice site. In summary, the available evidence is currently insufficient to determine the role of this variant in disease. Therefore, it has been classified as a Variant of Uncertain Significance.

NM_014319.5(LEMD3):c.2100C>T (p.Arg700=)

Gene: LEMD3 (LEM domain containing 3; plus strand). Cytogenetic location: 12q14.3.
Variant type: single nucleotide variant.
Coding change: c.2100C>T on transcript NM_014319.5 (MANE Select); coding-DNA position 2100, C replaced by T.
Protein change: p.Arg700=; no amino-acid change (arginine 700 retained).
Molecular consequence: synonymous variant.
Genome position (GRCh38, 1-based): chr12:65,240,212, C>T. VCF-style: chr12-65240212-C-T. GRCh37 (hg19) VCF-style: chr12-65633992-C-T.
Other names: c.2097C>T, p.Arg699= (NM_001167614.2).
Identifiers: ClinVar variation 2190108 (VCV002190108.4), dbSNP rs199712960, ClinGen allele CA6671135.
Genomic context (GRCh38, chr12:65,240,212, plus strand): 5'-TAATGAAGCCTGCCAGGAAAACAAAGATTTACAACCTTACATGCCTATTCCACATGTACG[C>T]GATTCCTTAATACAGCCTCATGACAGGTGTGTTCAAAGCATTATGAGTTCAAGTAAATCA-3'
Protein context (NP_055134.2, residues 690-710): LQPYMPIPHV[Arg700=]DSLIQPHDRK